The following is an entry in ClinVar:

NM_014363.6(SACS):c.5143A>T (p.Lys1715Ter)

Gene: SACS (sacsin molecular chaperone; minus strand). Cytogenetic location: 13q12.12.
Variant type: single nucleotide variant.
Coding change: c.5143A>T on transcript NM_014363.6 (MANE Select); coding-DNA position 5143, A replaced by T.
Protein change: p.Lys1715Ter; replaces lysine 1715 with a stop codon.
Molecular consequence: nonsense.
Genome position (GRCh38, 1-based): chr13:23,338,733, T>A on the plus strand (A>T on the coding strand, the complement: SACS is on the minus strand). VCF-style: chr13-23338733-T-A. GRCh37 (hg19) VCF-style: chr13-23912872-T-A.
Other names: c.4702A>T, p.Lys1568Ter (NM_001278055.2); short protein forms K1568*, K1715*.
Identifiers: ClinVar variation 917652 (VCV000917652.16), dbSNP rs755824618, ClinGen allele CA6911295.

ClinVar aggregate classification (germline): Pathogenic. Review status: criteria provided, multiple submitters, no conflicts (2 of 4 stars). 8 submissions from 8 submitters: Pathogenic (8). Last evaluated 2025-12-09.

Conditions:
Spastic paraplegia. Identifiers: MedGen C0037772, HP:0001258.
Charlevoix-Saguenay spastic ataxia (SACS). Also called: Spastic ataxia of Charlevoix-Saguenay; SPASTIC ATAXIA 6, AUTOSOMAL RECESSIVE; AUTOSOMAL RECESSIVE SPASTIC ATAXIA OF CHARLEVOIX-SAGUENAY. Identifiers: Orphanet 98, MedGen C1849140, MONDO:0010041, OMIM 270550.

Allele frequency attached by ClinVar (database versions not stated): gnomAD 0.00001; gnomAD exomes 0.00001 and 0.00002; ExAC 0.00002; TOPMed 0.00002.
gnomAD v4.1: 14 of 1,607,636 alleles (0.00087%); highest among the groups gnomAD compares: African/African-American, 0.0013%; no homozygotes.

Submissions (8):

Natera, Inc.
Classification: Pathogenic for Charlevoix-Saguenay type spastic ataxia. Last evaluated: 2025-12-09. Review status: criteria provided, single submitter. Criteria: Natera Variant Classification Schema (03/2026). Collection method: clinical testing. Allele origin: germline.
Comment: The c.5143A>T variant in SACS is a nonsense variant predicted to introduce a stop codon at amino acid 1715. This variant is expected to result in nonsense mediated decay, truncation, or a dysfunctional protein product. This variant is rare in the general population with a frequency below the threshold expected for the associated phenotype(s). This variant has been observed in one or more individuals affected with the associated recessive disease, as either homozygous or compound heterozygous with a second variant (PMID: 18465152). Given the available evidence, this variant is classified as Pathogenic.

Genomic Medicine Center of Excellence, King Faisal Specialist Hospital and Research Centre
Classification: Pathogenic for Charlevoix-Saguenay spastic ataxia. Last evaluated: 2025-09-10. Review status: criteria provided, single submitter. Criteria: ACMG Guidelines, 2015. Collection method: clinical testing. Allele origin: germline.

3billion
Classification: Pathogenic for Charlevoix-Saguenay spastic ataxia. Last evaluated: 2024-09-05. Review status: criteria provided, single submitter. Criteria: ACMG Guidelines, 2015. Collection method: clinical testing. Allele origin: germline. Affected: yes.
Comment: The variant is observed at an extremely low frequency in the gnomAD v4.0.0 dataset (total allele frequency: <0.001%). Predicted Consequence/Location: Stop-gained (nonsense): predicted to result in a loss or disruption of normal protein function through protein truncation. The predicted truncated protein may be shortened by more than 10%. The variant has been reported at least twice as pathogenic with clinical assertions and evidence for the classification (ClinVar ID: VCV000917652 /PMID: 18465152). Therefore, this variant is classified as Pathogenic according to the recommendation of ACMG/AMP guideline.

Revvity Omics, Revvity
Classification: Pathogenic for Charlevoix-Saguenay spastic ataxia. Last evaluated: 2024-05-15. Review status: criteria provided, single submitter. Criteria: ACMG Guidelines, 2015. Collection method: clinical testing. Allele origin: germline.

Baylor Genetics
Classification: Pathogenic for Charlevoix-Saguenay spastic ataxia. Last evaluated: 2024-02-05. Review status: criteria provided, single submitter. Criteria: ACMG Guidelines, 2015. Collection method: clinical testing. Allele origin: unknown.

Labcorp Genetics (formerly Invitae), Labcorp
Classification: Pathogenic for Spastic paraplegia. Last evaluated: 2023-12-22. Review status: criteria provided, single submitter. Criteria: Invitae Variant Classification Sherloc (09022015). Collection method: clinical testing. Allele origin: germline.
Comment: This sequence change creates a premature translational stop signal (p.Lys1715*) in the SACS gene. While this is not anticipated to result in nonsense mediated decay, it is expected to disrupt the last 2865 amino acid(s) of the SACS protein. This variant is present in population databases (rs755824618, gnomAD 0.02%). This premature translational stop signal has been observed in individual(s) with SACS-related conditions (PMID: 18465152). ClinVar contains an entry for this variant (Variation ID: 917652). This variant disrupts a region of the SACS protein in which other variant(s) (p.Arg4325*) have been determined to be pathogenic (PMID: 16944349, 21993619, 23280630). This suggests that this is a clinically significant region of the protein, and that variants that disrupt it are likely to be disease-causing. For these reasons, this variant has been classified as Pathogenic.

Genome-Nilou Lab
Classification: Pathogenic for Charlevoix-Saguenay spastic ataxia. Last evaluated: 2021-09-05. Review status: criteria provided, single submitter. Criteria: ACMG Guidelines, 2015. Collection method: clinical testing. Allele origin: germline. Affected: no.

Women's Health and Genetics/Laboratory Corporation of America, LabCorp
Classification: Pathogenic for Charlevoix-Saguenay spastic ataxia. Last evaluated: 2021-05-13. Review status: criteria provided, single submitter. Criteria: LabCorp Variant Classification Summary - May 2015. Collection method: clinical testing. Allele origin: germline.
Comment: Variant summary: SACS c.5143A>T (p.Lys1715X) results in a premature termination codon, predicted to cause a truncation of the encoded protein or absence of the protein due to nonsense mediated decay, which are commonly known mechanisms for disease. Truncations downstream of this position have been classified as pathogenic by our laboratory. The variant allele was found at a frequency of 2.5e-05 in 243814 control chromosomes. c.5143A>T has been reported in the literature in a compound heterozygous individual affected with Autosomal Recessive Spastic Ataxia of Charlevoix-Saguenay (Vermeer_2008). Experimental evidence demonstrated the truncation (or absence) of the Sacsin protein in a cell line derived from this compound heterozygous patient; in addition increased levels of reactive oxygen species, altered mitochondrial volume/morphology and a grossly abnormal vimentin cytoskeleton were also revealed, and these alterations were similar to those observed in sacsin-deficient cells and in other patient derived cell lines (Bradshaw_2016, Duncan_2017). One clinical diagnostic laboratory has submitted clinical-significance assessments for this variant to ClinVar after 2014 without evidence for independent evaluation and classified the variant as pathogenic. Based on the evidence outlined above, the variant was classified as pathogenic.

Literature cited by the submitters: PubMed 18465152 (cited by 4 submitters); PubMed 16944349 (cited by Labcorp Genetics (formerly Invitae), Labcorp); PubMed 21993619 (cited by Labcorp Genetics (formerly Invitae), Labcorp); PubMed 23280630 (cited by Labcorp Genetics (formerly Invitae), Labcorp); PubMed 27288452 (cited by Women's Health and Genetics/Laboratory Corporation of America, LabCorp); PubMed 28535259 (cited by Women's Health and Genetics/Laboratory Corporation of America, LabCorp); PubMed 19208651 (cited by Women's Health and Genetics/Laboratory Corporation of America, LabCorp).